The following is an entry in ClinVar:

ClinVar aggregate classification (germline): Uncertain significance (1 of 4 stars; one submission).

Conditions:
Bloom syndrome (BLM). Also called: Bloom-Torre-Machacek syndrome. Identifiers: Orphanet 125, MedGen C0005859, MONDO:0008876, OMIM 210900.

Submission:

Labcorp Genetics (formerly Invitae), Labcorp
Classification: Uncertain significance for Bloom syndrome. Last evaluated: 2023-03-07. Review status: criteria provided, single submitter. Criteria: Invitae Variant Classification Sherloc (09022015). Collection method: clinical testing. Allele origin: germline.
Comment: In summary, the available evidence is currently insufficient to determine the role of this variant in disease. Therefore, it has been classified as a Variant of Uncertain Significance. Advanced modeling of protein sequence and biophysical properties (such as structural, functional, and spatial information, amino acid conservation, physicochemical variation, residue mobility, and thermodynamic stability) performed at Invitae indicates that this missense variant is expected to disrupt BLM protein function. This variant has not been reported in the literature in individuals affected with BLM-related conditions. This variant is not present in population databases (gnomAD no frequency). This sequence change replaces proline, which is neutral and non-polar, with arginine, which is basic and polar, at codon 850 of the BLM protein (p.Pro850Arg).

NM_000057.4(BLM):c.2549C>G (p.Pro850Arg)

Gene: BLM (BLM RecQ like helicase; plus strand). Cytogenetic location: 15q26.1.
Variant type: single nucleotide variant.
Coding change: c.2549C>G on transcript NM_000057.4 (MANE Select); coding-DNA position 2549, C replaced by G.
Protein change: p.Pro850Arg; replaces proline 850 with arginine.
Molecular consequence: missense variant.
Genome position (GRCh38, 1-based): chr15:90,769,580, C>G. VCF-style: chr15-90769580-C-G. GRCh37 (hg19) VCF-style: chr15-91312810-C-G.
Other names: c.2549C>G, p.Pro850Arg (NM_001287246.2, NM_001287247.2); c.1424C>G, p.Pro475Arg (NM_001287248.2); short protein forms P475R, P850R.
Identifiers: ClinVar variation 2831177 (VCV002831177.3), dbSNP rs1896244485, ClinGen allele CA393845553.